The following is an entry in ClinVar:

ClinVar aggregate classification (germline): Uncertain significance. Review status: criteria provided, multiple submitters, no conflicts (2 of 4 stars). 2 submissions from 2 submitters: Uncertain significance (2). Last evaluated 2024-02-24.

Conditions:
Inborn genetic diseases. Identifiers: MedGen C0950123, MeSH D030342.

Allele frequency attached by ClinVar (database versions not stated): ExAC 0.00007; gnomAD 0.00007 and 0.00008; gnomAD exomes 0.00008; TOPMed 0.00010; 1000 Genomes Project 0.00020; 1000 Genomes Project 30x 0.00031.
gnomAD v4.1: 115 of 1,613,184 alleles (0.0071%); highest among the groups gnomAD compares: Middle Eastern, 0.033%; no homozygotes.

Submissions (2):

Labcorp Genetics (formerly Invitae), Labcorp
Classification: Uncertain significance. Last evaluated: 2024-02-24. Review status: criteria provided, single submitter. Criteria: Invitae Variant Classification Sherloc (09022015). Collection method: clinical testing. Allele origin: germline.
Comment: This sequence change replaces arginine, which is basic and polar, with cysteine, which is neutral and slightly polar, at codon 137 of the SLCO2A1 protein (p.Arg137Cys). This variant is present in population databases (rs201131796, gnomAD 0.02%). This variant has not been reported in the literature in individuals affected with SLCO2A1-related conditions. ClinVar contains an entry for this variant (Variation ID: 1417062). Advanced modeling of protein sequence and biophysical properties (such as structural, functional, and spatial information, amino acid conservation, physicochemical variation, residue mobility, and thermodynamic stability) performed at Invitae indicates that this missense variant is not expected to disrupt SLCO2A1 protein function with a negative predictive value of 80%. In summary, the available evidence is currently insufficient to determine the role of this variant in disease. Therefore, it has been classified as a Variant of Uncertain Significance.

Ambry Genetics
Classification: Uncertain significance for Inborn genetic diseases. Last evaluated: 2023-10-17. Review status: criteria provided, single submitter. Criteria: Ambry Variant Classification Scheme 2023. Collection method: clinical testing. Allele origin: germline.

NM_005630.3(SLCO2A1):c.409C>T (p.Arg137Cys)

Gene: SLCO2A1 (solute carrier organic anion transporter family member 2A1; minus strand). Cytogenetic location: 3q22.1.
Variant type: single nucleotide variant.
Coding change: c.409C>T on transcript NM_005630.3 (MANE Select); coding-DNA position 409, C replaced by T.
Protein change: p.Arg137Cys; replaces arginine 137 with cysteine.
Molecular consequence: missense variant.
Genome position (GRCh38, 1-based): chr3:133,955,182, G>A on the plus strand (C>T on the coding strand, the complement: SLCO2A1 is on the minus strand). VCF-style: chr3-133955182-G-A. GRCh37 (hg19) VCF-style: chr3-133674026-G-A.
Other names: c.409C>T (NM_005630.2); short protein forms R137C.
Identifiers: ClinVar variation 1417062 (VCV001417062.6), dbSNP rs201131796, ClinGen allele CA2626824.
Genomic context (GRCh38, chr3:133,955,182, plus strand): 5'-TGTGGCACTTACTGGGAGGCAGGTCCTGCCAATGCTTCTGGCAGAGCTCGGCCTGCAAGC[G>A]GCTGTTGTTCCCTGCAACGAGAGTGCTTGCTGGTCTCCACCACCCTGGTCTCCTGGTTCC-3'
Protein context (NP_005621.2, residues 127-147): YTLASTGNNS[Arg137Cys]LQAELCQKHW